The following is an entry in ClinVar:

ClinVar aggregate classification (germline): Uncertain significance (1 of 4 stars; one submission).

Submission:

Labcorp Genetics (formerly Invitae), Labcorp
Classification: Uncertain significance. Last evaluated: 2022-05-04. Review status: criteria provided, single submitter. Criteria: Invitae Variant Classification Sherloc (09022015). Collection method: clinical testing. Allele origin: germline.
Comment: In summary, the available evidence is currently insufficient to determine the role of this variant in disease. Therefore, it has been classified as a Variant of Uncertain Significance. Algorithms developed to predict the effect of sequence changes on RNA splicing suggest that this variant may create or strengthen a splice site. Algorithms developed to predict the effect of missense changes on protein structure and function are either unavailable or do not agree on the potential impact of this missense change (SIFT: "Deleterious"; PolyPhen-2: "Probably Damaging"; Align-GVGD: "Class C0"). This sequence change replaces lysine, which is basic and polar, with glutamic acid, which is acidic and polar, at codon 1780 of the MCM3AP protein (p.Lys1780Glu). This variant is not present in population databases (gnomAD no frequency). This variant has not been reported in the literature in individuals affected with MCM3AP-related conditions.

NM_003906.5(MCM3AP):c.5338A>G (p.Lys1780Glu)

Genes: MCM3AP (minichromosome maintenance complex component 3 associated protein; minus strand), MCM3AP-AS1 (MCM3AP antisense RNA 1; plus strand). Cytogenetic location: 21q22.3.
Variant type: single nucleotide variant.
Coding change: c.5338A>G on transcript NM_003906.5 (MANE Select); coding-DNA position 5338, A replaced by G.
Protein change: p.Lys1780Glu; replaces lysine 1780 with glutamic acid.
Molecular consequence: missense variant. On other transcripts: non-coding transcript variant (2).
Genome position (GRCh38, 1-based): chr21:46,242,890, T>C on the plus strand (A>G on the coding strand, the complement: MCM3AP is on the minus strand). VCF-style: chr21-46242890-T-C. GRCh37 (hg19) VCF-style: chr21-47662804-T-C.
Other names: short protein forms K1780E.
Identifiers: ClinVar variation 2133904 (VCV002133904.4), dbSNP rs2517305411, ClinGen allele CA410539134.
Genomic context (GRCh38, chr21:46,242,890, plus strand): 5'-GCGTCTGCAACCTGGCTTGTTCCCACGACAAAGGAACATCATATTTTTTCAAATCGTTTT[T>C]AAAAAAATACACACATATCTGACCATCTTCACTCAGCGCCTCTGAGAAAACAATACAAAA-3'
Protein context (NP_003897.2, residues 1770-1790): EDGQICVYFF[Lys1780Glu]NDLKKYDVPL